The following is an entry in ClinVar:

ClinVar aggregate classification (germline): Benign (1 of 4 stars; one submission).

Allele frequency attached by ClinVar (database versions not stated): gnomAD exomes 0.88938; gnomAD 0.91646; TOPMed 0.92192; 1000 Genomes Project 30x 0.94941; 1000 Genomes Project 0.95068.
gnomAD v4.1: 1,220,814 of 1,367,506 alleles (89%); highest among the groups gnomAD compares: East Asian, 100%; 546,143 homozygotes.

Submission:

Unidad de Genómica Garrahan, Hospital de Pediatría Garrahan
Classification: Benign. Last evaluated: 2024-01-24. Review status: criteria provided, single submitter. Criteria: ACMG Guidelines, 2015. Collection method: clinical testing. Allele origin: germline. Affected: no. Observed: 49 variant alleles.
Comment: This variant is classified as Benign based on local population frequency. This variant was detected in 52% of patients studied by a panel of primary immunodeficiencies. Number of patients: 49. Only high quality variants are reported.

NM_080424.4(SP110):c.583+116T>C

Genes: SP110 (SP110 nuclear body protein; minus strand), SP140 (SP140 nuclear body protein; plus strand). Cytogenetic location: 2q37.1.
Variant type: single nucleotide variant.
Coding change: c.583+116T>C on transcript NM_080424.4 (MANE Select); 116 bases into the intron after coding-DNA position 583, T replaced by C.
Molecular consequence: intron variant.
Genome position (GRCh38, 1-based): chr2:230,212,645, A>G on the plus strand (T>C on the coding strand, the complement: SP110 is on the minus strand). VCF-style: chr2-230212645-A-G. GRCh37 (hg19) VCF-style: chr2-231077360-A-G.
Other names: c.601+116T>C (NM_001378446.1, NM_001378445.1, NM_001378442.1 and 2 more transcripts); c.583+116T>C (NM_004509.5, NM_001378443.1, NM_001378447.1 and 1 more transcripts).
Identifiers: ClinVar variation 2688115 (VCV002688115.2), dbSNP rs6749386, ClinGen allele CA11101112.